The following is an entry in ClinVar:

NM_001369.3(DNAH5):c.5221del (p.His1741fs)

Gene: DNAH5 (dynein axonemal heavy chain 5; minus strand). Cytogenetic location: 5p15.2.
Variant type: Deletion.
Coding change: c.5221del on transcript NM_001369.3 (MANE Select); coding-DNA position 5221, one base deleted (C; older notation c.5221delC).
Protein change: p.His1741fs; shifts the reading frame from histidine 1741.
Molecular consequence: frameshift variant.
Genome position (GRCh38, 1-based): chr5:13,844,887, G deleted on the plus strand (C on the coding strand, the reverse complement: DNAH5 is on the minus strand); the first of 3 consecutive G bases (chr5:13,844,887-13,844,889); deleting any one gives the same sequence. VCF-style (leftmost placement, unchanged base first): chr5-13844886-TG-T. GRCh37 (hg19) VCF-style: chr5-13844995-TG-T.
Other names: short protein forms H1741fs.
Identifiers: ClinVar variation 2762257 (VCV002762257.3), dbSNP rs2546922682, ClinGen allele CA2673274717.

ClinVar aggregate classification (germline): Pathogenic (1 of 4 stars; one submission).

Conditions:
Primary ciliary dyskinesia. Also called: Ciliary dyskinesia. Identifiers: Orphanet 244, MedGen C0008780, MONDO:0016575, HP:0012265.

Submission:

Labcorp Genetics (formerly Invitae), Labcorp
Classification: Pathogenic for Primary ciliary dyskinesia. Last evaluated: 2023-10-19. Review status: criteria provided, single submitter. Criteria: Invitae Variant Classification Sherloc (09022015). Collection method: clinical testing. Allele origin: germline.
Comment: This sequence change creates a premature translational stop signal (p.His1741Ilefs*3) in the DNAH5 gene. It is expected to result in an absent or disrupted protein product. Loss-of-function variants in DNAH5 are known to be pathogenic (PMID: 11788826, 16627867). This variant is not present in population databases (gnomAD no frequency). This variant has not been reported in the literature in individuals affected with DNAH5-related conditions. Algorithms developed to predict the effect of sequence changes on RNA splicing suggest that this variant may disrupt the consensus splice site. For these reasons, this variant has been classified as Pathogenic.

Literature cited by the submitters: PubMed 11788826; PubMed 16627867.